The following is an entry in ClinVar:

ClinVar aggregate classification (germline): Likely benign. Review status: criteria provided, single submitter (1 of 4 stars). 2 submissions from 2 submitters: Likely benign (1). 1 of the submissions does not count toward it. Last evaluated 2025-09-01.

Conditions:
TNS1-related disorder. Also called: TNS1-related condition.

Allele frequency attached by ClinVar (database versions not stated): 1000 Genomes Project 0.00080; 1000 Genomes Project 30x 0.00125; ESP Exome Variant Server 0.00169; TOPMed 0.00189; gnomAD 0.00225; ExAC 0.00283.
gnomAD v4.1: 4,821 of 1,602,500 alleles (0.3%); highest among the groups gnomAD compares: Non-Finnish European, 0.36%; 17 homozygotes.

Submissions (2):

CeGaT Center for Human Genetics Tuebingen
Classification: Likely benign. Last evaluated: 2025-09-01. Review status: criteria provided, single submitter. Criteria: CeGaT Center For Human Genetics Tuebingen Variant Classification Criteria Version 2. Collection method: clinical testing. Allele origin: germline. Affected: yes. Observed: 2 variant alleles.
Comment: TNS1: BS2

PreventionGenetics, part of Exact Sciences
Classification: Likely benign for TNS1-related condition. Last evaluated: 2022-02-22. Review status: no assertion criteria provided. Collection method: clinical testing. Allele origin: germline. Not counted in ClinVar's aggregate classification.
Comment: This variant is classified as likely benign based on ACMG/AMP sequence variant interpretation guidelines (Richards et al. 2015 PMID: 25741868, with internal and published modifications).

NM_001387777.1(TNS1):c.4298C>T (p.Pro1433Leu)

Gene: TNS1 (tensin 1; minus strand). Cytogenetic location: 2q35.
Variant type: single nucleotide variant.
Coding change: c.4298C>T on transcript NM_001387777.1 (MANE Select); coding-DNA position 4298, C replaced by T.
Protein change: p.Pro1433Leu; replaces proline 1433 with leucine.
Molecular consequence: missense variant.
Genome position (GRCh38, 1-based): chr2:217,818,034, G>A on the plus strand (C>T on the coding strand, the complement: TNS1 is on the minus strand). VCF-style: chr2-217818034-G-A. GRCh37 (hg19) VCF-style: chr2-218682757-G-A.
Other names: c.3986C>T (NM_022648.5); c.3923C>T, p.Pro1308Leu (NM_001308023.2); c.3986C>T, p.Pro1329Leu (NM_022648.7); c.3947C>T, p.Pro1316Leu (NM_001308022.2); short protein forms P1308L, P1316L, P1329L, P1433L.
Identifiers: ClinVar variation 2651872 (VCV002651872.25), dbSNP rs140104262, ClinGen allele CA2099662.